The following is an entry in ClinVar:

Conditions:
Breast-ovarian cancer, familial, susceptibility to, 1 (BROVCA1). Also called: BRCA1 Hereditary Breast and Ovarian Cancer; OVARIAN CANCER, SUSCEPTIBILITY TO. Identifiers: Orphanet 145, MedGen C2676676, MONDO:0011450, OMIM 604370. Disease mechanism: loss of function.

Submission:

Brotman Baty Institute, University of Washington
No classification provided (evidence only). Condition: Breast-ovarian cancer, familial 1. Review status: no classification provided. Collection method: in vitro. Allele origin: not applicable. Functional consequence: function_uncertain_variant.
ClinVar note: "not provided" was previously submitted as the classification for the variant. However, the classification appeared to be based only on an observation of functional data so it was converted to no classification on 2025-07-30.

NM_007294.4(BRCA1):c.5153-30T>G

Gene: BRCA1 (BRCA1 DNA repair associated; minus strand). Cytogenetic location: 17q21.31.
Variant type: single nucleotide variant.
Coding change: c.5153-30T>G on transcript NM_007294.4 (MANE Select); 30 bases into the intron before coding-DNA position 5153, T replaced by G.
Molecular consequence: intron variant.
Genome position (GRCh38, 1-based): chr17:43,063,403, A>C on the plus strand (T>G on the coding strand, the complement: BRCA1 is on the minus strand). VCF-style: chr17-43063403-A-C. GRCh37 (hg19) VCF-style: chr17-41215420-A-C.
Other names: c.5147-30T>G (NM_001407629.1, NM_001407636.1, NM_001407639.1 and 14 more transcripts); c.5150-30T>G (NM_001407612.1, NM_001407859.1, NM_001407620.1 and 17 more transcripts); c.1718-30T>G (NM_001408440.1, NM_001408433.1, NM_001408441.1 and 10 more transcripts); c.1721-30T>G (NM_001408428.1, NM_001408429.1, NM_001408426.1 and 4 more transcripts); c.5027-30T>G (NM_001407678.1, NM_001407673.1, NM_001407674.1 and 10 more transcripts); c.5030-30T>G (NM_001407666.1, NM_001407919.1, NM_001407937.1 and 6 more transcripts); c.1727-30T>G (NM_001408418.1, NM_001408420.1, NM_001408419.1); c.1841-30T>G (NM_001407981.1, NM_007298.4, NM_001407986.1 and 12 more transcripts); and 72 more.
Identifiers: ClinVar variation 867405 (VCV000867405.3), dbSNP rs2051879345, ClinGen allele CA916080115.
Genomic context (GRCh38, chr17:43,063,403, plus strand): 5'-ATTTTTCTTTCTTTAATAGACTGGGTCACCCCTAAAGAGATCATAGAAAAGACAGGTTAC[A>C]TACAGCAGAAGAACGTGCTCTTTTCACGGAGATAGAGAGGTCAGCGATTCACAAAAGAGC-3'